The following is an entry in ClinVar:

NM_000156.6(GAMT):c.20C>A (p.Thr7Asn)

Genes: GAMT (guanidinoacetate N-methyltransferase; minus strand), LOC130062945 (ATAC-STARR-seq lymphoblastoid silent region 9707; plus strand). Cytogenetic location: 19p13.3.
Variant type: single nucleotide variant.
Coding change: c.20C>A on transcript NM_000156.6 (MANE Select); coding-DNA position 20, C replaced by A.
Protein change: p.Thr7Asn; replaces threonine 7 with asparagine.
Molecular consequence: missense variant.
Genome position (GRCh38, 1-based): chr19:1,401,457, G>T on the plus strand (C>A on the coding strand, the complement: GAMT is on the minus strand). VCF-style: chr19-1401457-G-T. GRCh37 (hg19) VCF-style: chr19-1401456-G-T.
Other names: c.20C>A, p.Thr7Asn (NM_138924.3); short protein forms T7N.
Identifiers: ClinVar variation 328354 (VCV000328354.14), dbSNP rs761687649, ClinGen allele CA9043813.

ClinVar aggregate classification (germline): Uncertain significance. Review status: criteria provided, multiple submitters, no conflicts (2 of 4 stars). 5 submissions from 5 submitters: Uncertain significance (4). 1 of the submissions does not count toward it. Last evaluated 2025-10-06.

Conditions:
Deficiency of guanidinoacetate methyltransferase (CCDS2). Also called: GAMT DEFICIENCY; Guanidinoacetate Methyltransferase (GAMT) Deficiency; CEREBRAL CREATINE DEFICIENCY SYNDROME 2. Identifiers: Orphanet 382, MedGen C0574080, MONDO:0012999, OMIM 612736.
Inborn genetic diseases. Identifiers: MedGen C0950123, MeSH D030342.
Cerebral creatine deficiency syndrome. Also called: Creatine deficiency syndromes. Identifiers: Orphanet 79172, MedGen C5244016, MONDO:0000456.

Allele frequency attached by ClinVar (database versions not stated): ExAC below 0.00001; gnomAD 0.00001; TOPMed 0.00002; gnomAD exomes 0.00002.
gnomAD v4.1: 116 of 1,391,240 alleles (0.0083%); highest among the groups gnomAD compares: Non-Finnish European, 0.011%; no homozygotes.

Submissions (5):

Ambry Genetics
Classification: Uncertain significance for Inborn genetic diseases. Last evaluated: 2025-10-06. Review status: criteria provided, single submitter. Criteria: Ambry Variant Classification Scheme 2023. Collection method: clinical testing. Allele origin: germline.

Labcorp Genetics (formerly Invitae), Labcorp
Classification: Uncertain significance for Cerebral creatine deficiency syndrome. Last evaluated: 2022-05-08. Review status: criteria provided, single submitter. Criteria: Invitae Variant Classification Sherloc (09022015). Collection method: clinical testing. Allele origin: germline.
Comment: This sequence change replaces threonine, which is neutral and polar, with asparagine, which is neutral and polar, at codon 7 of the GAMT protein (p.Thr7Asn). This variant is present in population databases (rs761687649, gnomAD 0.01%). This variant has not been reported in the literature in individuals affected with GAMT-related conditions. ClinVar contains an entry for this variant (Variation ID: 328354). Algorithms developed to predict the effect of missense changes on protein structure and function output the following: SIFT: "Tolerated"; PolyPhen-2: "Benign"; Align-GVGD: "Class C0". The asparagine amino acid residue is found in multiple mammalian species, which suggests that this missense change does not adversely affect protein function. In summary, the available evidence is currently insufficient to determine the role of this variant in disease. Therefore, it has been classified as a Variant of Uncertain Significance.

Center for Genomics, Ann and Robert H. Lurie Children's Hospital of Chicago
Classification: Uncertain significance for Deficiency of guanidinoacetate methyltransferase. Last evaluated: 2021-03-30. Review status: criteria provided, single submitter. Criteria: ACMG Guidelines, 2015. Collection method: clinical testing. Allele origin: germline.
Comment: GAMT NM_000156.5 exon 1 p.Thr7Asn (c.20C>A): This variant has not been reported in the literature but is present in 0.001% (1/67948) of European alleles in the Genome Aggregation Database. This variant is present in ClinVar (Variation ID:328354). This variant amino acid Asparagine (Asn) is present in the Megabat and the Black Flying Fox and is not well conserved among evolutionarily distant species; this suggests that this variant may not impact the protein. Additional computational prediction tools do not suggest an impact. In summary, data on this variant is insufficient for disease classification. Therefore, the clinical significance of this variant is uncertain.

Illumina Laboratory Services, Illumina
Classification: Uncertain significance for Deficiency of guanidinoacetate methyltransferase. Last evaluated: 2018-01-13. Review status: criteria provided, single submitter. Criteria: ICSL Variant Classification Criteria 13 December 2019. Collection method: clinical testing. Allele origin: germline.

Natera, Inc.
Classification: Uncertain significance for Guanidinoacetate methyltransferase deficiency. Last evaluated: 2019-10-28. Review status: no assertion criteria provided. Collection method: clinical testing. Allele origin: germline. Not counted in ClinVar's aggregate classification.